The following is an entry in ClinVar:

NM_006063.3(KLHL41):c.1027C>T (p.Gln343Ter)

Gene: KLHL41 (kelch like family member 41; plus strand). Cytogenetic location: 2q31.1.
Variant type: single nucleotide variant.
Coding change: c.1027C>T on transcript NM_006063.3 (MANE Select); coding-DNA position 1027, C replaced by T.
Protein change: p.Gln343Ter; replaces glutamine 343 with a stop codon.
Molecular consequence: nonsense.
Genome position (GRCh38, 1-based): chr2:169,510,805, C>T. VCF-style: chr2-169510805-C-T. GRCh37 (hg19) VCF-style: chr2-170367315-C-T.
Other names: short protein forms Q343*.
Identifiers: ClinVar variation 1073199 (VCV001073199.7), dbSNP rs779140230, ClinGen allele CA1956589.

ClinVar aggregate classification (germline): Pathogenic. Review status: criteria provided, multiple submitters, no conflicts (2 of 4 stars). 2 submissions from 2 submitters: Pathogenic (2). Last evaluated 2024-10-16.

Conditions:
Nemaline myopathy 9 (NEM9). Identifiers: MedGen C3810384, MONDO:0014326, OMIM 615731.

Allele frequency attached by ClinVar (database versions not stated): gnomAD 0.00001; ExAC 0.00002; gnomAD exomes 0.00002; TOPMed 0.00002.
gnomAD v4.1: 34 of 1,613,882 alleles (0.0021%); highest among the groups gnomAD compares: Non-Finnish European, 0.0025%; no homozygotes.

Submissions (2):

Labcorp Genetics (formerly Invitae), Labcorp
Classification: Pathogenic for Nemaline myopathy 9. Last evaluated: 2024-10-16. Review status: criteria provided, single submitter. Criteria: Invitae Variant Classification Sherloc (09022015). Collection method: clinical testing. Allele origin: germline.
Comment: This sequence change creates a premature translational stop signal (p.Gln343*) in the KLHL41 gene. It is expected to result in an absent or disrupted protein product. Loss-of-function variants in KLHL41 are known to be pathogenic (PMID: 24268659). This variant is present in population databases (rs779140230, gnomAD 0.004%). This variant has not been reported in the literature in individuals affected with KLHL41-related conditions. ClinVar contains an entry for this variant (Variation ID: 1073199). For these reasons, this variant has been classified as Pathogenic.

Payam Genetics Center, General Welfare Department of North Khorasan Province
Classification: Pathogenic for Nemaline myopathy 9. Last evaluated: 2023-01-03. Review status: criteria provided, single submitter. Criteria: ACMG Guidelines, 2015. Collection method: clinical testing. Allele origin: germline. Observed: 1 variant allele.
Comment: The KLHL41 c.1027C>T (p.Q343X) is a missense mutation andcreat the new stop cdon and results at the protein level is a disfunctional or truncated protein that predicted lead to disease.This variant is not present in Iranian population databases. Loss-of-function variants in KLHL41 are known to be pathogenic (PMID: 24268659). This variant is present in population databases (rs779140230, gnomAD 0.004%). This variant has not been reported in the literature in individuals affected with KLHL41-related conditions.

Literature cited by the submitters: PubMed 24268659 (cited by Labcorp Genetics (formerly Invitae), Labcorp).